The following is an entry in ClinVar:

NM_213655.5(WNK1):c.3040A>G (p.Ile1014Val)

Gene: WNK1 (WNK lysine deficient protein kinase 1; plus strand). Cytogenetic location: 12p13.33.
Variant type: single nucleotide variant.
Coding change: c.3040A>G on transcript NM_213655.5 (MANE Plus Clinical); coding-DNA position 3040, A replaced by G.
Protein change: p.Ile1014Val; replaces isoleucine 1014 with valine.
Molecular consequence: missense variant. On other transcripts: intron variant (2).
Genome position (GRCh38, 1-based): chr12:868,511, A>G. VCF-style: chr12-868511-A-G. GRCh37 (hg19) VCF-style: chr12-977677-A-G.
Other names: c.2785A>G, p.Ile929Val (NM_001184985.2); c.2140-2754A>G (NM_018979.4, NM_014823.3); short protein forms I929V, I1014V.
Identifiers: ClinVar variation 949696 (VCV000949696.9), dbSNP rs746802617, ClinGen allele CA6382290.

ClinVar aggregate classification (germline): Uncertain significance (1 of 4 stars; one submission).

Conditions:
Neuropathy, hereditary sensory and autonomic, type 2A (HSAN2A). Also called: MORVAN DISEASE; NEUROPATHY, CONGENITAL SENSORY; NEUROPATHY, HEREDITARY SENSORY RADICULAR, AUTOSOMAL RECESSIVE; NEUROPATHY, HEREDITARY SENSORY, TYPE IIA; NEUROPATHY, PROGRESSIVE SENSORY, OF CHILDREN; WNK1-Related HSAN2 (HSAN2A). Identifiers: Orphanet 970, MedGen C2752089, MONDO:0024309, OMIM 201300.
Pseudohypoaldosteronism type 2C (PHA2C). Also called: Pseudohypoaldosteronism Type IIC. Identifiers: Orphanet 757, Orphanet 88940, MedGen C1840391, MONDO:0013778, OMIM 614492.

Allele frequency attached by ClinVar (database versions not stated): TOPMed below 0.00001; gnomAD 0.00001; gnomAD exomes 0.00001; ExAC 0.00002.
gnomAD v4.1: 8 of 1,613,782 alleles (0.0005%); highest among the groups gnomAD compares: Admixed American, 0.005%; no homozygotes.

Submission:

Labcorp Genetics (formerly Invitae), Labcorp
Classification: Uncertain significance for Neuropathy, hereditary sensory and autonomic, type 2A; Pseudohypoaldosteronism type 2C. Last evaluated: 2024-11-02. Review status: criteria provided, single submitter. Criteria: Invitae Variant Classification Sherloc (09022015). Collection method: clinical testing. Allele origin: germline.
Comment: This sequence change replaces isoleucine, which is neutral and non-polar, with valine, which is neutral and non-polar, at codon 1014 of the WNK1 protein (p.Ile1014Val). This variant is present in population databases (rs746802617, gnomAD 0.006%). This variant has not been reported in the literature in individuals affected with WNK1-related conditions. ClinVar contains an entry for this variant (Variation ID: 949696). Invitae Evidence Modeling of protein sequence and biophysical properties (such as structural, functional, and spatial information, amino acid conservation, physicochemical variation, residue mobility, and thermodynamic stability) indicates that this missense variant is not expected to disrupt WNK1 protein function with a negative predictive value of 95%. In summary, the available evidence is currently insufficient to determine the role of this variant in disease. Therefore, it has been classified as a Variant of Uncertain Significance.